The following is an entry in ClinVar:

NM_004364.5(CEBPA):c.830C>T (p.Ser277Leu)

Gene: CEBPA (CCAAT enhancer binding protein alpha; minus strand). Cytogenetic location: 19q13.11.
Variant type: single nucleotide variant.
Coding change: c.830C>T on transcript NM_004364.5 (MANE Select); coding-DNA position 830, C replaced by T.
Protein change: p.Ser277Leu; replaces serine 277 with leucine.
Molecular consequence: missense variant.
Genome position (GRCh38, 1-based): chr19:33,301,585, G>A on the plus strand (C>T on the coding strand, the complement: CEBPA is on the minus strand). VCF-style: chr19-33301585-G-A. GRCh37 (hg19) VCF-style: chr19-33792491-G-A.
Other names: c.830C>T (NM_004364.3); c.473C>T, p.Ser158Leu (NM_001285829.2); c.935C>T, p.Ser312Leu (NM_001287424.2); c.788C>T, p.Ser263Leu (NM_001287435.2); short protein forms S277L, S158L, S263L, S312L.
Identifiers: ClinVar variation 1424607 (VCV001424607.10), dbSNP rs1269133775, ClinGen allele CA405274124.

ClinVar aggregate classification (germline): Conflicting classifications of pathogenicity. Review status: criteria provided, conflicting classifications (1 of 4 stars). 3 submissions from 3 submitters: Uncertain significance (2); Likely benign (1). Last evaluated 2024-10-26.

Conditions:
Inborn genetic diseases. Identifiers: MedGen C0950123, MeSH D030342.
Acute myeloid leukemia (AML). Also called: Leukemia, acute myeloid, somatic; Leukemia, acute myelogenous, somatic; Acute myeloid leukemia, adult; AML adult; Acute non-lymphocytic leukemia; Acute granulocytic leukemia. Identifiers: Orphanet 519, MedGen C0023467, MeSH D015470, MONDO:0018874, OMIM 601626, HP:0004808. Disease mechanism: Constitutively activated FLT3.

Allele frequency attached by ClinVar (database versions not stated): TOPMed below 0.00001; gnomAD exomes 0.00001 and 0.00002.

Submissions (3):

Labcorp Genetics (formerly Invitae), Labcorp
Classification: Uncertain significance for Acute myeloid leukemia. Last evaluated: 2024-10-26. Review status: criteria provided, single submitter. Criteria: Invitae Variant Classification Sherloc (09022015). Collection method: clinical testing. Allele origin: germline.
Comment: This sequence change replaces serine, which is neutral and polar, with leucine, which is neutral and non-polar, at codon 277 of the CEBPA protein (p.Ser277Leu). This variant is present in population databases (no rsID available, gnomAD 0.02%). This variant has not been reported in the literature in individuals affected with CEBPA-related conditions. ClinVar contains an entry for this variant (Variation ID: 1424607). Invitae Evidence Modeling of protein sequence and biophysical properties (such as structural, functional, and spatial information, amino acid conservation, physicochemical variation, residue mobility, and thermodynamic stability) indicates that this missense variant is not expected to disrupt CEBPA protein function with a negative predictive value of 80%. In summary, the available evidence is currently insufficient to determine the role of this variant in disease. Therefore, it has been classified as a Variant of Uncertain Significance.

Ambry Genetics
Classification: Likely benign for Inborn genetic diseases. Last evaluated: 2024-08-21. Review status: criteria provided, single submitter. Criteria: Ambry Variant Classification Scheme 2023. Collection method: clinical testing. Allele origin: germline.

Baylor Genetics
Classification: Uncertain significance for Acute myeloid leukemia. Last evaluated: 2023-09-11. Review status: criteria provided, single submitter. Criteria: ACMG Guidelines, 2015. Collection method: clinical testing. Allele origin: unknown.